The following is an entry in ClinVar:

ClinVar aggregate classification (germline): Benign (1 of 4 stars; one submission).

Allele frequency attached by ClinVar (database versions not stated): ESP Exome Variant Server 0.78097; gnomAD 0.79293; TOPMed 0.80857; 1000 Genomes Project 30x 0.86930; 1000 Genomes Project 0.87121.
gnomAD v4.1: 1,018,216 of 1,349,960 alleles (75%); highest among the groups gnomAD compares: East Asian, 99%; 387,127 homozygotes.

Submission:

Unidad de Genómica Garrahan, Hospital de Pediatría Garrahan
Classification: Benign. Last evaluated: 2024-01-24. Review status: criteria provided, single submitter. Criteria: ACMG Guidelines, 2015. Collection method: clinical testing. Allele origin: germline. Affected: no. Observed: 90 variant alleles.
Comment: This variant is classified as Benign based on local population frequency. This variant was detected in 95% of patients studied by a panel of primary immunodeficiencies. Number of patients: 90. Only high quality variants are reported.

NM_000629.3(IFNAR1):c.1440+38T>A

Gene: IFNAR1 (interferon alpha and beta receptor subunit 1; plus strand). Cytogenetic location: 21q22.11.
Variant type: single nucleotide variant.
Coding change: c.1440+38T>A on transcript NM_000629.3 (MANE Select); 38 bases into the intron after coding-DNA position 1440, T replaced by A.
Molecular consequence: intron variant.
Genome position (GRCh38, 1-based): chr21:33,353,821, T>A. VCF-style: chr21-33353821-T-A. GRCh37 (hg19) VCF-style: chr21-34726127-T-A.
Other names: c.1233+38T>A (NM_001384504.1); c.678+38T>A (NM_001384500.1); c.1440+38T>A (NM_001384498.1, NM_001384503.1); c.1294+913T>A (NM_001384499.1); c.1425+38T>A (NM_001384501.1); c.978+38T>A (NM_001384502.1).
Identifiers: ClinVar variation 2687934 (VCV002687934.2), dbSNP rs2856973, ClinGen allele CA10006767.